The following is an entry in ClinVar:

ClinVar aggregate classification (germline): Uncertain significance (1 of 4 stars; one submission).

Allele frequency attached by ClinVar (database versions not stated): ExAC 0.00001; gnomAD exomes 0.00001; TOPMed 0.00001.
gnomAD v4.1: 18 of 1,592,596 alleles (0.0011%); highest among the groups gnomAD compares: Admixed American, 0.005%; no homozygotes.

Submission:

Labcorp Genetics (formerly Invitae), Labcorp
Classification: Uncertain significance. Last evaluated: 2023-10-15. Review status: criteria provided, single submitter. Criteria: Invitae Variant Classification Sherloc (09022015). Collection method: clinical testing. Allele origin: germline.
Comment: This sequence change replaces valine, which is neutral and non-polar, with alanine, which is neutral and non-polar, at codon 434 of the MMP13 protein (p.Val434Ala). This variant is present in population databases (rs782124997, gnomAD 0.003%). This variant has not been reported in the literature in individuals affected with MMP13-related conditions. Advanced modeling of protein sequence and biophysical properties (such as structural, functional, and spatial information, amino acid conservation, physicochemical variation, residue mobility, and thermodynamic stability) performed at Invitae indicates that this missense variant is not expected to disrupt MMP13 protein function. In summary, the available evidence is currently insufficient to determine the role of this variant in disease. Therefore, it has been classified as a Variant of Uncertain Significance.

NM_002427.4(MMP13):c.1301T>C (p.Val434Ala)

Gene: MMP13 (matrix metallopeptidase 13; minus strand). Cytogenetic location: 11q22.2.
Variant type: single nucleotide variant.
Coding change: c.1301T>C on transcript NM_002427.4 (MANE Select); coding-DNA position 1301, T replaced by C.
Protein change: p.Val434Ala; replaces valine 434 with alanine.
Molecular consequence: missense variant.
Genome position (GRCh38, 1-based): chr11:102,945,660, A>G on the plus strand (T>C on the coding strand, the complement: MMP13 is on the minus strand). VCF-style: chr11-102945660-A-G. GRCh37 (hg19) VCF-style: chr11-102816389-A-G.
Other names: short protein forms V434A.
Identifiers: ClinVar variation 2777795 (VCV002777795.3), dbSNP rs782124997, ClinGen allele CA6251717.